The following is an entry in ClinVar:

NM_000350.3(ABCA4):c.1132G>T (p.Glu378Ter)

Gene: ABCA4 (ATP binding cassette subfamily A member 4; minus strand). Cytogenetic location: 1p22.1.
Variant type: single nucleotide variant.
Coding change: c.1132G>T on transcript NM_000350.3 (MANE Select); coding-DNA position 1132, G replaced by T.
Protein change: p.Glu378Ter; replaces glutamic acid 378 with a stop codon.
Molecular consequence: nonsense.
Genome position (GRCh38, 1-based): chr1:94,079,429, C>A on the plus strand (G>T on the coding strand, the complement: ABCA4 is on the minus strand). VCF-style: chr1-94079429-C-A. GRCh37 (hg19) VCF-style: chr1-94544985-C-A.
Other names: c.1132G>T, p.Glu378Ter (NM_001425324.1); short protein forms E378*.
Identifiers: ClinVar variation 3656257 (VCV003656257.2).

ClinVar aggregate classification (germline): Pathogenic (1 of 4 stars; one submission).

Submission:

Labcorp Genetics (formerly Invitae), Labcorp
Classification: Pathogenic. Last evaluated: 2024-06-11. Review status: criteria provided, single submitter. Criteria: Invitae Variant Classification Sherloc (09022015). Collection method: clinical testing. Allele origin: germline.
Comment: This sequence change creates a premature translational stop signal (p.Glu378*) in the ABCA4 gene. It is expected to result in an absent or disrupted protein product. Loss-of-function variants in ABCA4 are known to be pathogenic (PMID: 10958761, 24938718, 25312043, 26780318). This variant is not present in population databases (gnomAD no frequency). This variant has not been reported in the literature in individuals affected with ABCA4-related conditions. Algorithms developed to predict the effect of sequence changes on RNA splicing suggest that this variant may disrupt the consensus splice site. For these reasons, this variant has been classified as Pathogenic.

Literature cited by the submitters: PubMed 10958761; PubMed 24938718; PubMed 25312043; PubMed 26780318.